The following is an entry in ClinVar:

NM_006946.4(SPTBN2):c.1922G>A (p.Arg641Gln)

Gene: SPTBN2 (spectrin beta, non-erythrocytic 2; minus strand). Cytogenetic location: 11q13.2.
Variant type: single nucleotide variant.
Coding change: c.1922G>A on transcript NM_006946.4 (MANE Select); coding-DNA position 1922, G replaced by A.
Protein change: p.Arg641Gln; replaces arginine 641 with glutamine.
Molecular consequence: missense variant.
Genome position (GRCh38, 1-based): chr11:66,705,354, C>T on the plus strand (G>A on the coding strand, the complement: SPTBN2 is on the minus strand). VCF-style: chr11-66705354-C-T. GRCh37 (hg19) VCF-style: chr11-66472825-C-T.
Other names: c.1922G>A (NM_006946.2); short protein forms R641Q.
Identifiers: ClinVar variation 1443841 (VCV001443841.9), dbSNP rs553463768, ClinGen allele CA6129214.
Genomic context (GRCh38, chr11:66,705,354, plus strand): 5'-TGCTGCTCCCGCACCCAGGCCTCAGCTTCACCCACCTCCCAGAGGAAACGCCAGAGCCGC[C>T]GTGATTCCTCCAGCCGGGCCCGCCGCGCCGCTGCCAACTCGCACAGTGCCTCATAGCTCT-3'
Protein context (NP_008877.2, residues 631-651): AARRARLEES[Arg641Gln]RLWRFLWEVG

ClinVar aggregate classification (germline): Conflicting classifications of pathogenicity. Review status: criteria provided, conflicting classifications (1 of 4 stars). 3 submissions from 3 submitters: Uncertain significance (2); Likely benign (1). Last evaluated 2025-10-13.

Conditions:
Inborn genetic diseases. Identifiers: MedGen C0950123, MeSH D030342.
Spinocerebellar ataxia type 5 (SCA5). Identifiers: Orphanet 98766, MedGen C0752123, MONDO:0010848, OMIM 600224.
Autosomal recessive spinocerebellar ataxia 14. Also called: CEREBELLAR ATAXIA, AUTOSOMAL RECESSIVE, SPECTRIN-ASSOCIATED, 1. Identifiers: Orphanet 352403, MedGen C4706415, MONDO:0014159, OMIM 615386.

Allele frequency attached by ClinVar (database versions not stated): gnomAD exomes 0.00005 and 0.00006; TOPMed 0.00005; gnomAD 0.00006 and 0.00007; ExAC 0.00007; 1000 Genomes Project 30x 0.00016; 1000 Genomes Project 0.00020.
gnomAD v4.1: 98 of 1,611,828 alleles (0.0061%); highest among the groups gnomAD compares: East Asian, 0.013%; no homozygotes.

Submissions (3):

Labcorp Genetics (formerly Invitae), Labcorp
Classification: Likely benign. Last evaluated: 2025-10-13. Review status: criteria provided, single submitter. Criteria: Invitae Variant Classification Sherloc (09022015). Collection method: clinical testing. Allele origin: germline.

Ambry Genetics
Classification: Uncertain significance for Inborn genetic diseases. Last evaluated: 2024-02-14. Review status: criteria provided, single submitter. Criteria: Ambry Variant Classification Scheme 2023. Collection method: clinical testing. Allele origin: germline.

Juno Genomics, Hangzhou Juno Genomics, Inc
Classification: Uncertain significance for Spinocerebellar ataxia type 5; Autosomal recessive spinocerebellar ataxia 14. Review status: criteria provided, single submitter. Criteria: ACMG Guidelines, 2015. Collection method: clinical testing. Allele origin: germline.
Comment: Absent from controls (or at extremely low frequency if recessive) in Genome Aggregation Database.;Missense variant in a gene that has a low rate of benign missense variation.